The following is an entry in ClinVar:

ClinVar aggregate classification (germline): Conflicting classifications of pathogenicity. Review status: criteria provided, conflicting classifications (1 of 4 stars). 9 submissions from 9 submitters: Uncertain significance (1); Benign (3); Likely benign (3). 2 of the submissions do not count toward it. Last evaluated 2025-10-27.

Conditions:
NOTCH3-related disorder. Also called: NOTCH3-related condition; NOTCH3-related disorders.
Pulmonary arterial hypertension. Identifiers: Orphanet 182090, MedGen C2973725, MeSH D000081029, MONDO:0015924, HP:0002092.
Inborn genetic diseases. Identifiers: MedGen C0950123, MeSH D030342.

Allele frequency attached by ClinVar (database versions not stated): gnomAD exomes 0.00006 and 0.00012; ExAC 0.00015; ESP Exome Variant Server 0.00015; gnomAD 0.00041 and 0.00042; TOPMed 0.00043.
gnomAD v4.1: 160 of 1,614,170 alleles (0.0099%); highest among the groups gnomAD compares: African/African-American, 0.17%; 1 homozygote.

Submissions (9):

Labcorp Genetics (formerly Invitae), Labcorp
Classification: Benign. Last evaluated: 2025-10-27. Review status: criteria provided, single submitter. Criteria: Invitae Variant Classification Sherloc (09022015). Collection method: clinical testing. Allele origin: germline.

Athena Diagnostics
Classification: Benign. Last evaluated: 2025-06-27. Review status: criteria provided, single submitter. Criteria: Athena Diagnostics Criteria. Collection method: clinical testing. Allele origin: unknown.
Comment: The frequency of this variant in the general population is higher than would generally be expected for pathogenic variants in this gene. Computational tools predict this amino acid change may be benign.

Mayo Clinic Laboratories, Mayo Clinic
Classification: Likely benign. Last evaluated: 2025-06-04. Review status: criteria provided, single submitter. Criteria: ACMG Guidelines, 2015. Collection method: clinical testing. Allele origin: germline. Observed: 4 variant alleles.
Comment: BS1, BP4_moderate

ARUP Laboratories, Molecular Genetics and Genomics, ARUP Laboratories
Classification: Likely benign. Last evaluated: 2023-03-27. Review status: criteria provided, single submitter. Criteria: ARUP Molecular Germline Variant Investigation Process 2024. Collection method: clinical testing. Allele origin: germline.

Ambry Genetics
Classification: Uncertain significance for Inborn genetic diseases. Last evaluated: 2022-07-08. Review status: criteria provided, single submitter. Criteria: Ambry Variant Classification Scheme 2023. Collection method: clinical testing. Allele origin: germline.

Blueprint Genetics
Classification: Likely benign. Last evaluated: 2022-02-04. Review status: criteria provided, single submitter. Criteria: ACMG Guidelines, 2015. Collection method: clinical testing. Allele origin: germline.

Breakthrough Genomics
Classification: Benign. Review status: criteria provided, single submitter. Criteria: ACMG Guidelines, 2015. Collection method: not provided. Allele origin: germline. Inheritance: Autosomal dominant inheritance. Affected: yes.

PreventionGenetics, part of Exact Sciences
Classification: Likely benign for NOTCH3-related condition. Last evaluated: 2022-11-11. Review status: no assertion criteria provided. Collection method: clinical testing. Allele origin: germline. Not counted in ClinVar's aggregate classification.
Comment: This variant is classified as likely benign based on ACMG/AMP sequence variant interpretation guidelines (Richards et al. 2015 PMID: 25741868, with internal and published modifications).

John Welsh Cardiovascular Diagnostic Laboratory, Baylor College of Medicine
Classification: Uncertain significance for Pulmonary arterial hypertension. Last evaluated: 2022-09-26. Review status: no assertion criteria provided. Criteria: ACMG Guidelines, 2015. Collection method: clinical testing. Allele origin: germline. Not counted in ClinVar's aggregate classification.

NM_000435.3(NOTCH3):c.3629G>A (p.Arg1210His)

Gene: NOTCH3 (notch receptor 3; minus strand). Cytogenetic location: 19p13.12.
Variant type: single nucleotide variant.
Coding change: c.3629G>A on transcript NM_000435.3 (MANE Select); coding-DNA position 3629, G replaced by A.
Protein change: p.Arg1210His; replaces arginine 1210 with histidine.
Molecular consequence: missense variant.
Genome position (GRCh38, 1-based): chr19:15,179,114, C>T on the plus strand (G>A on the coding strand, the complement: NOTCH3 is on the minus strand). VCF-style: chr19-15179114-C-T. GRCh37 (hg19) VCF-style: chr19-15289925-C-T.
Other names: p.Arg1210His; c.3629G>A (NM_000435.2); short protein forms R1210H.
Identifiers: ClinVar variation 1543292 (VCV001543292.19), dbSNP rs35031555, ClinGen allele CA9263033.